The following is an entry in ClinVar:

NM_000551.4(VHL):c.525C>G (p.Tyr175Ter)

Genes: VHL (von Hippel-Lindau tumor suppressor; plus strand), LOC107303340 (3p25 von Hippel-Lindau tumor suppressor, E3 ubiquitin protein ligase Alu-mediated recombination region; plus strand). Cytogenetic location: 3p25.3.
Variant type: single nucleotide variant.
Coding change: c.525C>G on transcript NM_000551.4 (MANE Select); coding-DNA position 525, C replaced by G.
Protein change: p.Tyr175Ter; replaces tyrosine 175 with a stop codon.
Molecular consequence: nonsense. On other transcripts: 3 prime UTR variant (1).
Genome position (GRCh38, 1-based): chr3:10,149,848, C>G. VCF-style: chr3-10149848-C-G. GRCh37 (hg19) VCF-style: chr3-10191532-C-G.
Other names: c.*79C>G (NM_001354723.2); c.402C>G, p.Tyr134Ter (NM_198156.3); short protein forms Y175*, Y134*.
Identifiers: ClinVar variation 182974 (VCV000182974.10), dbSNP rs5030835, ClinGen allele CA020466.
Genomic context (GRCh38, chr3:10,149,848, plus strand): 5'-GTATACTCTGAAAGAGCGATGCCTCCAGGTTGTCCGGAGCCTAGTCAAGCCTGAGAATTA[C>G]AGGAGACTGGACATCGTCAGGTCGCTCTACGAAGATCTGGAAGACCACCCAAATGTGCAG-3'

ClinVar aggregate classification (germline): Pathogenic. Review status: criteria provided, multiple submitters, no conflicts (2 of 4 stars). 2 submissions from 2 submitters: Pathogenic (2). Last evaluated 2025-01-26.

Conditions:
Von Hippel-Lindau syndrome (VHLS). Also called: VHL syndrome; Von Hippel-Lindau; von Hippel–Lindau syndrome. Identifiers: Orphanet 892, MedGen C0019562, MONDO:0008667, OMIM 193300. Disease mechanism: loss of function.
Chuvash polycythemia. Also called: POLYCYTHEMIA, VHL-DEPENDENT. Identifiers: Orphanet 238557, MedGen C1837915, MONDO:0009892, OMIM 263400.

Submissions (2):

Labcorp Genetics (formerly Invitae), Labcorp
Classification: Pathogenic for Von Hippel-Lindau syndrome; Chuvash polycythemia. Last evaluated: 2025-01-26. Review status: criteria provided, single submitter. Criteria: Invitae Variant Classification Sherloc (09022015). Collection method: clinical testing. Allele origin: germline.
Comment: This sequence change creates a premature translational stop signal (p.Tyr175*) in the VHL gene. While this is not anticipated to result in nonsense mediated decay, it is expected to disrupt the last 39 amino acid(s) of the VHL protein. This variant is not present in population databases (gnomAD no frequency). This premature translational stop signal has been observed in individuals with von Hippel-Lindau (VHL) syndrome (PMID: 9829912, 12202531, 15300849, 27527340). It has also been observed to segregate with disease in related individuals. ClinVar contains an entry for this variant (Variation ID: 182974). This variant disrupts a region of the VHL protein in which other variant(s) (p.Tyr185*) have been determined to be pathogenic (PMID: 7987306, 23298237). This suggests that this is a clinically significant region of the protein, and that variants that disrupt it are likely to be disease-causing. For these reasons, this variant has been classified as Pathogenic.

Women's Health and Genetics/Laboratory Corporation of America, LabCorp
Classification: Pathogenic for Von Hippel-Lindau syndrome. Last evaluated: 2016-02-04. Review status: criteria provided, single submitter. Criteria: LabCorp Variant Classification Summary - May 2015. Collection method: clinical testing. Allele origin: germline.

Literature cited by the submitters: PubMed 9829912 (cited by Labcorp Genetics (formerly Invitae), Labcorp); PubMed 12202531 (cited by Labcorp Genetics (formerly Invitae), Labcorp and Women's Health and Genetics/Laboratory Corporation of America, LabCorp); PubMed 15300849 (cited by Labcorp Genetics (formerly Invitae), Labcorp and Women's Health and Genetics/Laboratory Corporation of America, LabCorp); PubMed 27527340 (cited by Labcorp Genetics (formerly Invitae), Labcorp); PubMed 7987306 (cited by Labcorp Genetics (formerly Invitae), Labcorp); PubMed 23298237 (cited by Labcorp Genetics (formerly Invitae), Labcorp); PubMed 7553625 (cited by Women's Health and Genetics/Laboratory Corporation of America, LabCorp); PubMed 18580449 (cited by Women's Health and Genetics/Laboratory Corporation of America, LabCorp); PubMed 8956040 (cited by Women's Health and Genetics/Laboratory Corporation of America, LabCorp); PubMed 11409863 (cited by Women's Health and Genetics/Laboratory Corporation of America, LabCorp).